The following is an entry in ClinVar:

NM_001814.6(CTSC):c.96T>G (p.Tyr32Ter)

Genes: CTSC (cathepsin C; minus strand), LOC130006572 (ATAC-STARR-seq lymphoblastoid active region 5382; plus strand). Cytogenetic location: 11q14.2.
Variant type: single nucleotide variant.
Coding change: c.96T>G on transcript NM_001814.6 (MANE Select); coding-DNA position 96, T replaced by G.
Protein change: p.Tyr32Ter; replaces tyrosine 32 with a stop codon.
Molecular consequence: nonsense.
Genome position (GRCh38, 1-based): chr11:88,337,577, A>C on the plus strand (T>G on the coding strand, the complement: CTSC is on the minus strand). VCF-style: chr11-88337577-A-C. GRCh37 (hg19) VCF-style: chr11-88070745-A-C.
Other names: c.96T>G (LRG_50t1); c.96T>G, p.Tyr32Ter (NM_001114173.3, NM_148170.5); short protein forms Y32*.
Identifiers: ClinVar variation 139655 (VCV000139655.11), dbSNP rs587777533, ClinGen allele CA163389.
Genomic context (GRCh38, chr11:88,337,577, plus strand): 5'-GACATCGCGCTGGGAACCGCTGGAGCCCACCTGGAAGACCCAGGTGCCCAGCAGGTCAAG[A>C]TAGGTGCAGTTGGCAGGTGTGTCGCAGCGCACGGCGCCGTCGCCGGAGAGAAGCAGCAGG-3'

ClinVar aggregate classification (germline): Pathogenic. Review status: criteria provided, multiple submitters, no conflicts (2 of 4 stars). 4 submissions from 4 submitters: Pathogenic (3). 1 of the submissions does not count toward it. Last evaluated 2025-09-18.

Conditions:
CTSC-related disorder. Also called: CTSC-related disorders; CTSC-related condition. Identifiers: MedGen CN375926, MONDO:0800465.
Papillon-Lefèvre syndrome (PALS). Also called: KERATOSIS PALMOPLANTARIS WITH PERIODONTOPATHIA; Papillon-Lefevre Disease. Identifiers: Orphanet 678, MedGen C0030360, MONDO:0009490, OMIM 245000.
Periodontitis, aggressive. Identifiers: MedGen C0031106, MONDO:0980757.
Haim-Munk syndrome (HMS). Also called: KERATOSIS PALMOPLANTARIS WITH PERIODONTOPATHIA AND ONYCHOGRYPOSIS; COCHIN JEWISH DISORDER. Identifiers: Orphanet 2342, MedGen C1855627, MONDO:0009491, OMIM 245010.

Allele frequency attached by ClinVar (database versions not stated): gnomAD exomes 0.00003; TOPMed 0.00004; gnomAD 0.00005; ExAC 0.00007.
gnomAD v4.1: 58 of 1,577,364 alleles (0.0037%); highest among the groups gnomAD compares: Non-Finnish European, 0.0044%; no homozygotes.

Submissions (4):

Labcorp Genetics (formerly Invitae), Labcorp
Classification: Pathogenic for Haim-Munk syndrome; Periodontitis, aggressive; Papillon-Lefèvre syndrome. Last evaluated: 2025-09-18. Review status: criteria provided, single submitter. Criteria: Invitae Variant Classification Sherloc (09022015). Collection method: clinical testing. Allele origin: germline.
Comment: This sequence change creates a premature translational stop signal (p.Tyr32*) in the CTSC gene. It is expected to result in an absent or disrupted protein product. Loss-of-function variants in CTSC are known to be pathogenic (PMID: 10662808, 11106356, 11886537). This variant is present in population databases (rs587777533, gnomAD 0.007%). This premature translational stop signal has been observed in individuals with Papillon-Lefèvre syndrome (PMID: 11886537, 12112662, 29410039). ClinVar contains an entry for this variant (Variation ID: 139655). For these reasons, this variant has been classified as Pathogenic.

Blueprint Genetics
Classification: Pathogenic for CTSC-related disorders. Last evaluated: 2024-07-24. Review status: criteria provided, single submitter. Criteria: ACMG Guidelines, 2015. Collection method: clinical testing. Allele origin: germline. Affected: yes. Observed: 4 variant alleles.

Fulgent Genetics
Classification: Pathogenic for Periodontitis, aggressive 1; Papillon-Lefèvre syndrome; Haim-Munk syndrome. Last evaluated: 2024-05-15. Review status: criteria provided, single submitter. Criteria: ACMG Guidelines, 2015. Collection method: clinical testing. Allele origin: germline.

OMIM
Classification: Pathogenic for PAPILLON-LEFEVRE SYNDROME. Last evaluated: 2001-12-01. Review status: no assertion criteria provided. Collection method: literature only. Allele origin: germline. Not counted in ClinVar's aggregate classification.

Literature cited by the submitters: PubMed 10662808 (cited by Labcorp Genetics (formerly Invitae), Labcorp); PubMed 11106356 (cited by Labcorp Genetics (formerly Invitae), Labcorp); PubMed 11886537 (cited by Labcorp Genetics (formerly Invitae), Labcorp and OMIM); PubMed 12112662 (cited by Labcorp Genetics (formerly Invitae), Labcorp); PubMed 29410039 (cited by Labcorp Genetics (formerly Invitae), Labcorp).